The following is an entry in ClinVar:

ClinVar aggregate classification (germline): Benign (0 of 4 stars; one submission).

Conditions:
NTN1-related disorder. Also called: NTN1-related condition.

Allele frequency attached by ClinVar (database versions not stated): ESP Exome Variant Server 0.03114; gnomAD 0.05133; TOPMed 0.05889; ExAC 0.07992; 1000 Genomes Project 30x 0.12211; 1000 Genomes Project 0.12660.
gnomAD v4.1: 71,954 of 1,613,678 alleles (4.5%); highest among the groups gnomAD compares: East Asian, 37%; 5,227 homozygotes.

Submission:

PreventionGenetics, part of Exact Sciences
Classification: Benign for NTN1-related condition. Last evaluated: 2019-06-19. Review status: no assertion criteria provided. Collection method: clinical testing. Allele origin: germline.
Comment: This variant is classified as benign based on ACMG/AMP sequence variant interpretation guidelines (Richards et al. 2015 PMID: 25741868, with internal and published modifications).

NM_004822.3(NTN1):c.1143T>C (p.His381=)

Gene: NTN1 (netrin 1; plus strand). Cytogenetic location: 17p13.1.
Variant type: single nucleotide variant.
Coding change: c.1143T>C on transcript NM_004822.3 (MANE Select); coding-DNA position 1143, T replaced by C.
Protein change: p.His381=; no amino-acid change (histidine 381 retained).
Molecular consequence: synonymous variant.
Genome position (GRCh38, 1-based): chr17:9,162,937, T>C. VCF-style: chr17-9162937-T-C. GRCh37 (hg19) VCF-style: chr17-9066254-T-C.
Identifiers: ClinVar variation 3060350 (VCV003060350.2), dbSNP rs2286511, ClinGen allele CA8381117.